The following is an entry in ClinVar:

ClinVar aggregate classification (germline): Uncertain significance. Review status: criteria provided, multiple submitters, no conflicts (2 of 4 stars). 2 submissions from 2 submitters: Uncertain significance (2). Last evaluated 2025-06-23.

Conditions:
Congenital muscular dystrophy due to integrin alpha-7 deficiency. Also called: Congenital muscular dystrophy with integrin alpha-7 deficiency; MYOPATHY, CONGENITAL, DUE TO INTEGRIN ALPHA-7 DEFICIENCY; Muscular dystrophy, congenital, due to ITGA7 deficiency. Identifiers: Orphanet 34520, MedGen C2750786, MONDO:0013177, OMIM 613204.

Allele frequency attached by ClinVar (database versions not stated): gnomAD exomes 0.00002; ExAC 0.00003; TOPMed 0.00004; gnomAD 0.00006 and 0.00007.
gnomAD v4.1: 52 of 1,590,954 alleles (0.0033%); highest among the groups gnomAD compares: South Asian, 0.0046%; no homozygotes.

Submissions (2):

Ambry Genetics
Classification: Uncertain significance. Last evaluated: 2025-06-23. Review status: criteria provided, single submitter. Criteria: Ambry Variant Classification Scheme 2023. Collection method: clinical testing. Allele origin: germline.

Labcorp Genetics (formerly Invitae), Labcorp
Classification: Uncertain significance for Congenital muscular dystrophy due to integrin alpha-7 deficiency. Last evaluated: 2022-06-04. Review status: criteria provided, single submitter. Criteria: Invitae Variant Classification Sherloc (09022015). Collection method: clinical testing. Allele origin: germline.
Comment: This sequence change replaces arginine, which is basic and polar, with glutamine, which is neutral and polar, at codon 604 of the ITGA7 protein (p.Arg604Gln). The frequency data for this variant in the population databases is considered unreliable, as metrics indicate poor data quality at this position in the gnomAD database. This variant has not been reported in the literature in individuals affected with ITGA7-related conditions. ClinVar contains an entry for this variant (Variation ID: 571272). Algorithms developed to predict the effect of missense changes on protein structure and function (SIFT, PolyPhen-2, Align-GVGD) all suggest that this variant is likely to be tolerated. In summary, the available evidence is currently insufficient to determine the role of this variant in disease. Therefore, it has been classified as a Variant of Uncertain Significance.

NM_002206.3(ITGA7):c.1811G>A (p.Arg604Gln)

Gene: ITGA7 (integrin subunit alpha 7; minus strand). Cytogenetic location: 12q13.2.
Variant type: single nucleotide variant.
Coding change: c.1811G>A on transcript NM_002206.3 (MANE Select); coding-DNA position 1811, G replaced by A.
Protein change: p.Arg604Gln; replaces arginine 604 with glutamine.
Molecular consequence: missense variant.
Genome position (GRCh38, 1-based): chr12:55,696,359, C>T on the plus strand (G>A on the coding strand, the complement: ITGA7 is on the minus strand). VCF-style: chr12-55696359-C-T. GRCh37 (hg19) VCF-style: chr12-56090143-C-T.
Other names: c.1823G>A, p.Arg608Gln (NM_001144996.2); c.1532G>A, p.Arg511Gln (NM_001144997.2); c.1484G>A, p.Arg495Gln (NM_001367993.1); c.467G>A, p.Arg156Gln (NM_001367994.1); c.1793G>A, p.Arg598Gln (NM_001374465.1); c.1943G>A, p.Arg648Gln (NM_001410977.1); c.1805G>A, p.Arg602Gln (NM_001414029.1); c.1736G>A, p.Arg579Gln (NM_001414030.1); and 5 more; short protein forms R604Q, R511Q, R495Q, R156Q, R608Q, R598Q, R648Q, R491Q.
Identifiers: ClinVar variation 571272 (VCV000571272.9), dbSNP rs764577574, ClinGen allele CA6615824.